The following is an entry in ClinVar:

NM_032802.4(SPPL2A):c.360+87A>G

Gene: SPPL2A (signal peptide peptidase like 2A; minus strand). Cytogenetic location: 15q21.2.
Variant type: single nucleotide variant.
Coding change: c.360+87A>G on transcript NM_032802.4 (MANE Select); 87 bases into the intron after coding-DNA position 360, A replaced by G.
Molecular consequence: intron variant.
Genome position (GRCh38, 1-based): chr15:50,748,601, T>C on the plus strand (A>G on the coding strand, the complement: SPPL2A is on the minus strand). VCF-style: chr15-50748601-T-C. GRCh37 (hg19) VCF-style: chr15-51040798-T-C.
Identifiers: ClinVar variation 2688411 (VCV002688411.2), dbSNP rs8035452, ClinGen allele CA14080131.
Genomic context (GRCh38, chr15:50,748,601, plus strand): 5'-TAGATCTTGATTATTTATTTACAAAGAATCTTGCCATCAGATCATTCAAAACTCAGCCTC[T>C]AAACCACACACAAAGACGTTAATTCCATTTTTGTGAAATTTCACATCATGAACTCAAAAT-3'

ClinVar aggregate classification (germline): Benign (1 of 4 stars; one submission).

Allele frequency attached by ClinVar (database versions not stated): gnomAD 0.40326; TOPMed 0.40645; 1000 Genomes Project 30x 0.43926; 1000 Genomes Project 0.44289.
gnomAD v4.1: 327,212 of 893,232 alleles (37%); highest among the groups gnomAD compares: East Asian, 57%; 61,960 homozygotes.

Submission:

Unidad de Genómica Garrahan, Hospital de Pediatría Garrahan
Classification: Benign. Last evaluated: 2024-01-24. Review status: criteria provided, single submitter. Criteria: ACMG Guidelines, 2015. Collection method: clinical testing. Allele origin: germline. Affected: no. Observed: 45 variant alleles.
Comment: This variant is classified as Benign based on local population frequency. This variant was detected in 51% of patients studied by a panel of primary immunodeficiencies. Number of patients: 45. Only high quality variants are reported.